The following is an entry in ClinVar:

ClinVar aggregate classification (germline): other (0 of 4 stars; one submission).

Conditions:
Familial colorectal cancer. Identifiers: MedGen CN280943, MONDO:0023113. Disease mechanism: loss of function.

Submission:

Systems Biology Platform Zhejiang California International NanoSystems Institute
Classification: other for Familial colorectal cancer. Review status: no assertion criteria provided. Collection method: not provided. Allele origin: unknown.
ClinVar note: Converted during submission from cancer to other.

NM_000038.6(APC):c.5376T>A (p.Asn1792Lys)

Gene: APC (APC regulator of WNT signaling pathway; plus strand). Cytogenetic location: 5q22.2.
Variant type: single nucleotide variant.
Coding change: c.5376T>A on transcript NM_000038.6 (MANE Select); coding-DNA position 5376, T replaced by A.
Protein change: p.Asn1792Lys; replaces asparagine 1792 with lysine.
Molecular consequence: missense variant.
Genome position (GRCh38, 1-based): chr5:112,840,970, T>A. VCF-style: chr5-112840970-T-A. GRCh37 (hg19) VCF-style: chr5-112176667-T-A.
Other names: c.5376T>A, p.Asn1792Lys (NM_001127510.3, NM_001354895.2); c.5322T>A, p.Asn1774Lys (NM_001127511.3); c.5430T>A, p.Asn1810Lys (NM_001354896.2); c.5406T>A, p.Asn1802Lys (NM_001354897.2); c.5301T>A, p.Asn1767Lys (NM_001354898.2); c.5292T>A, p.Asn1764Lys (NM_001354899.2); c.5253T>A, p.Asn1751Lys (NM_001354900.2); c.5199T>A, p.Asn1733Lys (NM_001354901.2); and 5 more; short protein forms N1774K, N1792K, N1701K, N1751K, N1509K, N1666K, N1733K, N1691K.
Identifiers: ClinVar variation 83244 (VCV000083244.2), dbSNP rs76364845, ClinGen allele CA010354.